The following is an entry in ClinVar:

NM_001048174.2(MUTYH):c.673C>A (p.Pro225Thr)

Gene: MUTYH (mutY DNA glycosylase; minus strand). Cytogenetic location: 1p34.1.
Variant type: single nucleotide variant.
Coding change: c.673C>A on transcript NM_001048174.2 (MANE Select); coding-DNA position 673, C replaced by A.
Protein change: p.Pro225Thr; replaces proline 225 with threonine.
Molecular consequence: missense variant. On other transcripts: non-coding transcript variant (2).
Genome position (GRCh38, 1-based): chr1:45,332,422, G>T on the plus strand (C>A on the coding strand, the complement: MUTYH is on the minus strand). VCF-style: chr1-45332422-G-T. GRCh37 (hg19) VCF-style: chr1-45798094-G-T.
Other names: c.673C>A, p.Pro225Thr (NM_001048171.2, NM_001048173.2, NM_001293195.2); c.676C>A, p.Pro226Thr (NM_001048172.2); c.757C>A, p.Pro253Thr (NM_001128425.2); c.718C>A, p.Pro240Thr (NM_001293190.2); c.706C>A, p.Pro236Thr (NM_001293191.2); c.397C>A, p.Pro133Thr (NM_001293192.2, NM_001293196.2); c.328C>A, p.Pro110Thr (NM_001350650.2, NM_001350651.2); c.748C>A, p.Pro250Thr (NM_012222.3); short protein forms P236T, P240T, P225T, P250T, P110T, P253T, P133T, P226T.
Identifiers: ClinVar variation 1387005 (VCV001387005.12), dbSNP rs2149143657, ClinGen allele CA340134809.
Genomic context (GRCh38, chr1:45,332,422, plus strand): 5'-GAAGCACCCTTGTTACCCCAACATCCTACCAGAGCTGCTGGGAAACAAGGGTGCTGCTGG[G>T]ATCAGCACCAATGGCTCGGACACGGCACAGCACCCGTGCTACGTTGCCATCCACCACACC-3'
Protein context (NP_001041639.1, residues 215-235): LCRVRAIGAD[Pro225Thr]SSTLVSQQLW

ClinVar aggregate classification (germline): Conflicting classifications of pathogenicity. Review status: criteria provided, conflicting classifications (1 of 4 stars). 2 submissions from 2 submitters: Uncertain significance (1); Benign (1). Last evaluated 2025-09-16.

Conditions:
Familial adenomatous polyposis 2. Also called: Adenomas, multiple colorectal; MYH-associated polyposis; COLORECTAL ADENOMATOUS POLYPOSIS, AUTOSOMAL RECESSIVE; ADENOMAS, MULTIPLE COLORECTAL, AUTOSOMAL RECESSIVE; FAP type 2; MUTYH Polyposis. Identifiers: Orphanet 220460, Orphanet 247798, MedGen C3272841, MONDO:0012041, OMIM 608456.
Hereditary cancer-predisposing syndrome. Also called: Tumor predisposition; Neoplastic Syndromes, Hereditary; Hereditary Cancer Syndrome; Hereditary neoplastic syndrome. Identifiers: Orphanet 140162, MedGen C0027672, MeSH D009386, MONDO:0015356.

Submissions (2):

Ambry Genetics
Classification: Benign for Hereditary cancer-predisposing syndrome. Last evaluated: 2025-09-16. Review status: criteria provided, single submitter. Criteria: Ambry Variant Classification Scheme 2023. Collection method: clinical testing. Allele origin: germline.

Labcorp Genetics (formerly Invitae), Labcorp
Classification: Uncertain significance for Familial adenomatous polyposis 2. Last evaluated: 2021-04-11. Review status: criteria provided, single submitter. Criteria: Invitae Variant Classification Sherloc (09022015). Collection method: clinical testing. Allele origin: germline.
Comment: This variant is not present in population databases (ExAC no frequency). This sequence change replaces proline with threonine at codon 253 of the MUTYH protein (p.Pro253Thr). The proline residue is moderately conserved and there is a small physicochemical difference between proline and threonine. This variant has not been reported in the literature in individuals with MUTYH-related conditions. In summary, the available evidence is currently insufficient to determine the role of this variant in disease. Therefore, it has been classified as a Variant of Uncertain Significance. Algorithms developed to predict the effect of missense changes on protein structure and function (SIFT, PolyPhen-2, Align-GVGD) all suggest that this variant is likely to be tolerated, but these predictions have not been confirmed by published functional studies and their clinical significance is uncertain.